The following is an entry in ClinVar:

NM_018136.5(ASPM):c.10013A>T (p.Asp3338Val)

Gene: ASPM (assembly factor for spindle microtubules; minus strand). Cytogenetic location: 1q31.3.
Variant type: single nucleotide variant.
Coding change: c.10013A>T on transcript NM_018136.5 (MANE Select); coding-DNA position 10013, A replaced by T.
Protein change: p.Asp3338Val; replaces aspartic acid 3338 with valine.
Molecular consequence: missense variant.
Genome position (GRCh38, 1-based): chr1:197,088,404, T>A on the plus strand (A>T on the coding strand, the complement: ASPM is on the minus strand). VCF-style: chr1-197088404-T-A. GRCh37 (hg19) VCF-style: chr1-197057534-T-A.
Other names: c.5258A>T, p.Asp1753Val (NM_001206846.2); short protein forms D1753V, D3338V.
Identifiers: ClinVar variation 1520464 (VCV001520464.8), dbSNP rs1390576128, ClinGen allele CA343998655.

ClinVar aggregate classification (germline): Uncertain significance (1 of 4 stars; one submission).

Allele frequency attached by ClinVar (database versions not stated): gnomAD exomes below 0.00001 and 0.00001.
gnomAD v4.1: 2 of 1,607,628 alleles (0.00012%); highest among the groups gnomAD compares: Admixed American, 0.0033%; no homozygotes.

Submission:

Labcorp Genetics (formerly Invitae), Labcorp
Classification: Uncertain significance. Last evaluated: 2021-04-19. Review status: criteria provided, single submitter. Criteria: Invitae Variant Classification Sherloc (09022015). Collection method: clinical testing. Allele origin: germline.
Comment: In summary, the available evidence is currently insufficient to determine the role of this variant in disease. Therefore, it has been classified as a Variant of Uncertain Significance. Algorithms developed to predict the effect of missense changes on protein structure and function are either unavailable or do not agree on the potential impact of this missense change (SIFT: "Deleterious"; PolyPhen-2: "Benign"; Align-GVGD: "Class C0"). This variant has not been reported in the literature in individuals with ASPM-related conditions. This variant is not present in population databases (ExAC no frequency). This sequence change replaces aspartic acid with valine at codon 3338 of the ASPM protein (p.Asp3338Val). The aspartic acid residue is moderately conserved and there is a large physicochemical difference between aspartic acid and valine.